The following is an entry in ClinVar:

NM_144666.3(DNHD1):c.13312C>T (p.Arg4438Ter)

Gene: DNHD1 (dynein heavy chain domain 1; plus strand). Cytogenetic location: 11p15.4.
Variant type: single nucleotide variant.
Coding change: c.13312C>T on transcript NM_144666.3 (MANE Select); coding-DNA position 13312, C replaced by T.
Protein change: p.Arg4438Ter; replaces arginine 4438 with a stop codon.
Molecular consequence: nonsense.
Genome position (GRCh38, 1-based): chr11:6,570,824, C>T. VCF-style: chr11-6570824-C-T. GRCh37 (hg19) VCF-style: chr11-6592054-C-T.
Other names: short protein forms R4438*.
Identifiers: ClinVar variation 725285 (VCV000725285.6), dbSNP rs80197979, ClinGen allele CA5857089.

ClinVar aggregate classification (germline): Likely benign. Review status: criteria provided, single submitter (1 of 4 stars). 2 submissions from 2 submitters: Likely benign (1). 1 of the submissions does not count toward it. Last evaluated 2019-12-31.

Conditions:
DNHD1-related disorder. Also called: DNHD1-related condition.

Allele frequency attached by ClinVar (database versions not stated): gnomAD exomes 0.00033; ExAC 0.00046; ESP Exome Variant Server 0.00118; gnomAD 0.00121 and 0.00127; TOPMed 0.00141; 1000 Genomes Project 0.00280; 1000 Genomes Project 30x 0.00328.
gnomAD v4.1: 358 of 1,614,020 alleles (0.022%); highest among the groups gnomAD compares: African/African-American, 0.44%; 2 homozygotes.

Submissions (2):

Labcorp Genetics (formerly Invitae), Labcorp
Classification: Likely benign. Last evaluated: 2019-12-31. Review status: criteria provided, single submitter. Criteria: Invitae Variant Classification Sherloc (09022015). Collection method: clinical testing. Allele origin: germline.

PreventionGenetics, part of Exact Sciences
Classification: Likely benign for DNHD1-related condition. Last evaluated: 2023-06-05. Review status: no assertion criteria provided. Collection method: clinical testing. Allele origin: germline. Not counted in ClinVar's aggregate classification.
Comment: This variant is classified as likely benign based on ACMG/AMP sequence variant interpretation guidelines (Richards et al. 2015 PMID: 25741868, with internal and published modifications).